The following is an entry in ClinVar:

ClinVar aggregate classification (germline): Pathogenic (1 of 4 stars; one submission).

Conditions:
Osteogenesis imperfecta type I (OI1). Also called: OI, TYPE I; OSTEOGENESIS IMPERFECTA TARDA; OSTEOGENESIS IMPERFECTA WITH BLUE SCLERAE; Osteogenesis imperfecta type 1; Lobstein's Disease; Lobstein disease. Identifiers: Orphanet 216796, Orphanet 666, MedGen C0023931, MONDO:0008146, OMIM 166200. Disease mechanism: loss of function.

Submission:

Laboratory of Genetic Skeletal Anomaly, Seoul National University Children's Hospital
Classification: Pathogenic for Osteogenesis imperfecta type I. Last evaluated: 2025-03-01. Review status: criteria provided, single submitter. Criteria: ACMG Guidelines, 2015. Collection method: research. Allele origin: germline. Affected: yes.
Comment: This variant is a novel variant not previously reported in the literature or population databases. It was classified based on available in silico predictions and absence from gnomAD.

NM_000088.4(COL1A1):c.1481del (p.Gly494fs)

Gene: COL1A1 (collagen type I alpha 1 chain; minus strand). Cytogenetic location: 17q21.33.
Variant type: Deletion.
Coding change: c.1481del on transcript NM_000088.4 (MANE Select); coding-DNA position 1481, one base deleted (G; older notation c.1481delG).
Protein change: p.Gly494fs; shifts the reading frame from glycine 494.
Molecular consequence: frameshift variant.
Genome position (GRCh38, 1-based): chr17:50,194,607, C deleted on the plus strand (G on the coding strand, the reverse complement: COL1A1 is on the minus strand); the first of 2 consecutive C bases (chr17:50,194,607-50,194,608); deleting either gives the same sequence. VCF-style (leftmost placement, unchanged base first): chr17-50194606-AC-A. GRCh37 (hg19) VCF-style: chr17-48271967-AC-A.
Other names: c.1481delG (NM_000088.4); short protein forms G494fs.
Identifiers: ClinVar variation 4280689 (VCV004280689.1).
Genomic context (GRCh38, chr17:50,194,606, plus strand): 5'-AGCCCCCCGGCCGCAAGGAGAGGTTACCTTGGGACCAGCAACACCATCTGCGCCAGGGAA[AC>A]CACGGCTACCAGGTCCACCCTGCAGGAGGAGAGGAGGCCAGTGAACTCCGCGACACACAG-3'